The following is an entry in ClinVar:

NM_020719.3(PRR12):c.2703A>G (p.Pro901=)

Gene: PRR12 (proline rich 12; plus strand). Cytogenetic location: 19q13.33.
Variant type: single nucleotide variant.
Coding change: c.2703A>G on transcript NM_020719.3 (MANE Select); coding-DNA position 2703, A replaced by G.
Protein change: p.Pro901=; no amino-acid change (proline 901 retained).
Molecular consequence: synonymous variant.
Genome position (GRCh38, 1-based): chr19:49,597,038, A>G. VCF-style: chr19-49597038-A-G. GRCh37 (hg19) VCF-style: chr19-50100295-A-G.
Other names: c.2703A>G (NM_020719.2).
Identifiers: ClinVar variation 1255136 (VCV001255136.5), dbSNP rs3745475, ClinGen allele CA9578175.

ClinVar aggregate classification (germline): Benign. Review status: criteria provided, multiple submitters, no conflicts (2 of 4 stars). 3 submissions from 3 submitters: Benign (2). 1 of the submissions does not count toward it. Last evaluated 2019-08-16.

Conditions:
PRR12-related disorder. Also called: PRR12-related condition.

Allele frequency attached by ClinVar (database versions not stated): gnomAD exomes 0.25044 and 0.28966; ESP Exome Variant Server 0.28894; gnomAD 0.34670 and 0.34804; TOPMed 0.35842; 1000 Genomes Project 0.37480; 1000 Genomes Project 30x 0.38663; ExAC 0.40276.
gnomAD v4.1: 405,176 of 1,556,006 alleles (26%); highest among the groups gnomAD compares: African/African-American, 59%; 59,526 homozygotes.

Submissions (3):

GeneDx
Classification: Benign. Last evaluated: 2019-08-16. Review status: criteria provided, single submitter. Criteria: GeneDx Variant Classification Process June 2021. Collection method: clinical testing. Allele origin: germline. Affected: yes.

Breakthrough Genomics
Classification: Benign. Review status: criteria provided, single submitter. Criteria: ACMG Guidelines, 2015. Collection method: not provided. Allele origin: germline. Inheritance: Autosomal dominant inheritance. Affected: yes.

PreventionGenetics, part of Exact Sciences
Classification: Benign for PRR12-related condition. Last evaluated: 2019-10-21. Review status: no assertion criteria provided. Collection method: clinical testing. Allele origin: germline. Not counted in ClinVar's aggregate classification.
Comment: This variant is classified as benign based on ACMG/AMP sequence variant interpretation guidelines (Richards et al. 2015 PMID: 25741868, with internal and published modifications).